The following is an entry in ClinVar:

ClinVar aggregate classification (germline): Benign/Likely benign. Review status: criteria provided, multiple submitters, no conflicts (2 of 4 stars). 5 submissions from 5 submitters: Benign (1); Likely benign (4). Last evaluated 2026-05-30.

Conditions:
Hereditary cancer-predisposing syndrome. Also called: Tumor predisposition; Hereditary neoplastic syndrome; Neoplastic Syndromes, Hereditary; Hereditary Cancer Syndrome. Identifiers: Orphanet 140162, MedGen C0027672, MeSH D009386, MONDO:0015356.
Familial adenomatous polyposis 1 (FAP1). Also called: FAMILIAL ADENOMATOUS POLYPOSIS 1, ATTENUATED; POLYPOSIS, ADENOMATOUS INTESTINAL. Identifiers: MedGen C2713442, MONDO:0021056, OMIM 175100. Disease mechanism: loss of function.

Submissions (5):

Women's Health and Genetics/Laboratory Corporation of America, LabCorp
Classification: Likely benign. Last evaluated: 2026-05-30. Review status: criteria provided, single submitter. Criteria: LabCorp Variant Classification Summary - May 2015. Collection method: clinical testing. Allele origin: germline.

Myriad Genetics, Inc.
Classification: Benign for Familial adenomatous polyposis 1. Last evaluated: 2024-03-28. Review status: criteria provided, single submitter. Criteria: Myriad Autosomal Dominant, Autosomal Recessive and X-Linked Classification Criteria (2023). Collection method: clinical testing. Allele origin: unknown.
Comment: This variant is considered benign. This variant is a silent/synonymous amino acid change and it is not expected to impact splicing.

Labcorp Genetics (formerly Invitae), Labcorp
Classification: Likely benign for Familial adenomatous polyposis 1. Last evaluated: 2023-02-10. Review status: criteria provided, single submitter. Criteria: Invitae Variant Classification Sherloc (09022015). Collection method: clinical testing. Allele origin: germline.

Ambry Genetics
Classification: Likely benign for Hereditary cancer-predisposing syndrome. Last evaluated: 2021-10-27. Review status: criteria provided, single submitter. Criteria: Ambry Variant Classification Scheme 2023. Collection method: clinical testing. Allele origin: germline.

Color Diagnostics, LLC DBA Color Health
Classification: Likely benign for Hereditary cancer-predisposing syndrome. Last evaluated: 2018-06-14. Review status: criteria provided, single submitter. Criteria: ACMG Guidelines, 2015. Collection method: clinical testing. Allele origin: germline.

NM_000038.6(APC):c.4980A>G (p.Leu1660=)

Gene: APC (APC regulator of Wnt signaling pathway; plus strand). Cytogenetic location: 5q22.2.
Variant type: single nucleotide variant.
Coding change: c.4980A>G on transcript NM_000038.6 (MANE Select); coding-DNA position 4980, A replaced by G.
Protein change: p.Leu1660=; no amino-acid change (leucine 1660 retained).
Molecular consequence: synonymous variant.
Genome position (GRCh38, 1-based): chr5:112,840,574, A>G. VCF-style: chr5-112840574-A-G. GRCh37 (hg19) VCF-style: chr5-112176271-A-G.
Other names: c.4980A>G, p.Leu1660= (NM_001127510.3, NM_001354895.2); c.4926A>G, p.Leu1642= (NM_001127511.3); c.5034A>G, p.Leu1678= (NM_001354896.2); c.5010A>G, p.Leu1670= (NM_001354897.2); c.4905A>G, p.Leu1635= (NM_001354898.2); c.4896A>G, p.Leu1632= (NM_001354899.2); c.4857A>G, p.Leu1619= (NM_001354900.2); c.4803A>G, p.Leu1601= (NM_001354901.2); and 5 more.
Identifiers: ClinVar variation 215566 (VCV000215566.18), dbSNP rs863224283, ClinGen allele CA336406.